The following is an entry in ClinVar:

ClinVar aggregate classification (germline): Likely pathogenic. Review status: criteria provided, multiple submitters, no conflicts (2 of 4 stars). 2 submissions from 2 submitters: Likely pathogenic (2). Last evaluated 2022-03-29.

Conditions:
Charcot-Marie-Tooth disease type 2A2. Also called: Charcot-Marie-Tooth Neuropathy Type 2A2; CHARCOT-MARIE-TOOTH DISEASE, AXONAL, TYPE 2A2; CHARCOT-MARIE-TOOTH DISEASE, NEURONAL, TYPE 2A2; CHARCOT-MARIE-TOOTH DISEASE, AXONAL, AUTOSOMAL DOMINANT, TYPE 2A2A; HEREDITARY MOTOR AND SENSORY NEUROPATHY IIA2; HMSN IIA2. Identifiers: Orphanet 99947, MedGen C4721887, MONDO:0012231, OMIM 609260.
Charcot-Marie-Tooth disease type 2. Also called: Charcot-Marie-Tooth type 2. Identifiers: Orphanet 64746, MedGen C0270914, MONDO:0018993.

Submissions (2):

Labcorp Genetics (formerly Invitae), Labcorp
Classification: Likely pathogenic for Charcot-Marie-Tooth disease type 2. Last evaluated: 2022-03-29. Review status: criteria provided, single submitter. Criteria: Invitae Variant Classification Sherloc (09022015). Collection method: clinical testing. Allele origin: germline.
Comment: This sequence change replaces histidine, which is basic and polar, with proline, which is neutral and non-polar, at codon 165 of the MFN2 protein (p.His165Pro). In summary, the currently available evidence indicates that the variant is pathogenic, but additional data are needed to prove that conclusively. Therefore, this variant has been classified as Likely Pathogenic. This variant disrupts the p.His165 amino acid residue in MFN2. Other variant(s) that disrupt this residue have been determined to be pathogenic (PMID: 16714318, 24126688, 27549087). This suggests that this residue is clinically significant, and that variants that disrupt this residue are likely to be disease-causing. Advanced modeling of protein sequence and biophysical properties (such as structural, functional, and spatial information, amino acid conservation, physicochemical variation, residue mobility, and thermodynamic stability) performed at Invitae indicates that this missense variant is expected to disrupt MFN2 protein function. ClinVar contains an entry for this variant (Variation ID: 962325). This variant has not been reported in the literature in individuals affected with MFN2-related conditions. This variant is not present in population databases (gnomAD no frequency).

Clinical Genetics Service, Universitary Hospital 12 de Octubre
Classification: Likely pathogenic for Charcot-Marie-Tooth disease type 2A2. Review status: criteria provided, single submitter. Criteria: ACMG Guidelines, 2015. Collection method: clinical testing. Allele origin: germline. Affected: yes.

Literature cited by the submitters: PubMed 16714318 (cited by Labcorp Genetics (formerly Invitae), Labcorp); PubMed 24126688 (cited by Labcorp Genetics (formerly Invitae), Labcorp); PubMed 27549087 (cited by Labcorp Genetics (formerly Invitae), Labcorp).

NM_014874.4(MFN2):c.494A>C (p.His165Pro)

Gene: MFN2 (mitofusin 2; plus strand). Cytogenetic location: 1p36.22.
Variant type: single nucleotide variant.
Coding change: c.494A>C on transcript NM_014874.4 (MANE Select); coding-DNA position 494, A replaced by C.
Protein change: p.His165Pro; replaces histidine 165 with proline.
Molecular consequence: missense variant.
Genome position (GRCh38, 1-based): chr1:11,997,316, A>C. VCF-style: chr1-11997316-A-C. GRCh37 (hg19) VCF-style: chr1-12057373-A-C.
Other names: c.494A>C, p.His165Pro (NM_001127660.2); short protein forms H165P.
Identifiers: ClinVar variation 962325 (VCV000962325.10), dbSNP rs863224970, ClinGen allele CA338436256.